The following is an entry in ClinVar:

NM_000158.4(GBE1):c.1343_1344del (p.Lys448fs)

Gene: GBE1 (1,4-alpha-glucan branching enzyme 1; minus strand). Cytogenetic location: 3p12.2.
Variant type: Deletion.
Coding change: c.1343_1344del on transcript NM_000158.4 (MANE Select); coding-DNA positions 1343 to 1344, 2 bases deleted (AA; older notation c.1343_1344delAA).
Protein change: p.Lys448fs; shifts the reading frame from lysine 448.
Molecular consequence: frameshift variant.
Genome position (GRCh38, 1-based): chr3:81,581,267-81,581,268, TT deleted on the plus strand (AA on the coding strand, the reverse complement: GBE1 is on the minus strand); deleting any 2 consecutive bases within chr3:81,581,267-81,581,269 gives the same sequence; the c. name uses the placement nearest the transcript's 3' end. VCF-style (leftmost placement, unchanged base first): chr3-81581266-CTT-C. GRCh37 (hg19) VCF-style: chr3-81630417-CTT-C.
Other names: c.1343_1344del (NM_000158.3); short protein forms K448fs.
Identifiers: ClinVar variation 1354603 (VCV001354603.7), dbSNP rs2106938660, ClinGen allele CA2573137460.

ClinVar aggregate classification (germline): Pathogenic/Likely pathogenic. Review status: criteria provided, multiple submitters, no conflicts (2 of 4 stars). 2 submissions from 2 submitters: Pathogenic (1); Likely pathogenic (1). Last evaluated 2024-05-29.

Conditions:
Glycogen storage disease, type IV (GSD4). Also called: AMYLOPECTINOSIS; ANDERSEN DISEASE; BRANCHER DEFICIENCY; CIRRHOSIS, FAMILIAL, WITH DEPOSITION OF ABNORMAL GLYCOGEN; GBE1 DEFICIENCY; GLYCOGEN BRANCHING ENZYME DEFICIENCY. Identifiers: Orphanet 367, MedGen C0017923, MONDO:0009292, OMIM 232500.
Glycogen storage disease IV, classic hepatic. Also called: GSD IV, CLASSIC HEPATIC. Identifiers: MedGen C1856301.

Submissions (2):

Natera, Inc.
Classification: Likely pathogenic for Glycogen storage disease type IV. Last evaluated: 2024-05-29. Review status: criteria provided, single submitter. Criteria: Natera Variant Classification Schema (03/2026). Collection method: clinical testing. Allele origin: germline.
Comment: The c.1343_1344del variant in GBE1 is a frameshift variant predicted to shift the reading frame beginning at codon 448 and leads to a stop codon 3 codons downstream. This variant is expected to result in nonsense mediated decay, truncation, or a dysfunctional protein product. This variant is rare in the general population with a frequency below the threshold expected for the associated phenotype(s). Given the available evidence, this variant is classified as Likely Pathogenic.

Labcorp Genetics (formerly Invitae), Labcorp
Classification: Pathogenic for Glycogen storage disease, type IV; Glycogen storage disease IV, classic hepatic. Last evaluated: 2022-03-27. Review status: criteria provided, single submitter. Criteria: Invitae Variant Classification Sherloc (09022015). Collection method: clinical testing. Allele origin: germline.
Comment: This variant is not present in population databases (gnomAD no frequency). For these reasons, this variant has been classified as Pathogenic. This variant has not been reported in the literature in individuals affected with GBE1-related conditions. This sequence change creates a premature translational stop signal (p.Lys448Argfs*3) in the GBE1 gene. It is expected to result in an absent or disrupted protein product. Loss-of-function variants in GBE1 are known to be pathogenic (PMID: 15452297, 20058079).

Literature cited by the submitters: PubMed 15452297 (cited by Labcorp Genetics (formerly Invitae), Labcorp); PubMed 20058079 (cited by Labcorp Genetics (formerly Invitae), Labcorp).